The following is an entry in ClinVar:

NM_001330311.2(DVL1):c.1112C>G (p.Thr371Arg)

Gene: DVL1 (dishevelled segment polarity protein 1; minus strand). Cytogenetic location: 1p36.33.
Variant type: single nucleotide variant.
Coding change: c.1112C>G on transcript NM_001330311.2 (MANE Select); coding-DNA position 1112, C replaced by G.
Protein change: p.Thr371Arg; replaces threonine 371 with arginine.
Molecular consequence: missense variant.
Genome position (GRCh38, 1-based): chr1:1,339,382, G>C on the plus strand (C>G on the coding strand, the complement: DVL1 is on the minus strand). VCF-style: chr1-1339382-G-C. GRCh37 (hg19) VCF-style: chr1-1274762-G-C.
Other names: c.1112C>G, p.Thr371Arg (NM_004421.3); short protein forms T371R.
Identifiers: ClinVar variation 2573524 (VCV002573524.2), dbSNP rs1643705022, ClinGen allele CA337865651.

ClinVar aggregate classification (germline): Uncertain significance. Review status: criteria provided, multiple submitters, no conflicts (2 of 4 stars). 2 submissions from 2 submitters: Uncertain significance (2). Last evaluated 2023-06-07.

Submissions (2):

Women's Health and Genetics/Laboratory Corporation of America, LabCorp
Classification: Uncertain significance. Last evaluated: 2023-06-07. Review status: criteria provided, single submitter. Criteria: LabCorp Variant Classification Summary - May 2015. Collection method: clinical testing. Allele origin: germline.
Comment: Variant summary: DVL1 c.1112C>G (p.Thr371Arg) results in a non-conservative amino acid change in the encoded protein sequence. Three of five in-silico tools predict a damaging effect of the variant on protein function. The variant was absent in 154214 control chromosomes. The available data on variant occurrences in the general population are insufficient to allow any conclusion about variant significance. To our knowledge, no occurrence of c.1112C>G in individuals affected with Autosomal Dominant Robinow Syndrome 2 and no experimental evidence demonstrating its impact on protein function have been reported. No clinical diagnostic laboratories have submitted clinical-significance assessments for this variant to ClinVar after 2014. Based on the evidence outlined above, the variant was classified as uncertain significance.

GeneDx
Classification: Uncertain significance. Last evaluated: 2023-02-21. Review status: criteria provided, single submitter. Criteria: GeneDx Variant Classification Process June 2021. Collection method: clinical testing. Allele origin: germline. Affected: yes.
Comment: Not observed at significant frequency in large population cohorts (gnomAD); In silico analysis supports that this missense variant has a deleterious effect on protein structure/function; Has not been previously published as pathogenic or benign to our knowledge